The following is an entry in ClinVar:

NM_001165963.4(SCN1A):c.2713G>A (p.Ala905Thr)

Gene: SCN1A (sodium voltage-gated channel alpha subunit 1; minus strand). Cytogenetic location: 2q24.3.
Variant type: single nucleotide variant.
Coding change: c.2713G>A on transcript NM_001165963.4 (MANE Select); coding-DNA position 2713, G replaced by A.
Protein change: p.Ala905Thr; replaces alanine 905 with threonine.
Molecular consequence: missense variant. On other transcripts: non-coding transcript variant (1).
Genome position (GRCh38, 1-based): chr2:166,038,009, C>T on the plus strand (G>A on the coding strand, the complement: SCN1A is on the minus strand). VCF-style: chr2-166038009-C-T. GRCh37 (hg19) VCF-style: chr2-166894519-C-T.
Other names: c.2629G>A, p.Ala877Thr (NM_001165964.3, NM_001353957.2, NM_001353958.2); c.2713G>A, p.Ala905Thr (NM_001202435.3, NM_001353948.2); c.2680G>A, p.Ala894Thr (NM_001353949.2, NM_001353950.2, NM_001353951.2 and 2 more transcripts); c.2677G>A, p.Ala893Thr (NM_001353954.2, NM_001353955.2); c.2626G>A, p.Ala876Thr (NM_001353960.2); c.271G>A, p.Ala91Thr (NM_001353961.2); short protein forms A876T, A877T, A893T, A894T, A905T, A91T.
Identifiers: ClinVar variation 2504563 (VCV002504563.2), dbSNP rs2468098856, ClinGen allele CA349061541.

ClinVar aggregate classification (germline): Pathogenic. Review status: criteria provided, multiple submitters, no conflicts (2 of 4 stars). 2 submissions from 2 submitters: Pathogenic (2). Last evaluated 2025-02-16.

Submissions (2):

Laboratory of Genetics, Children's Clinical University Hospital Latvia
Classification: Pathogenic. Last evaluated: 2025-02-16. Review status: criteria provided, single submitter. Criteria: ACMG Guidelines, 2015. Collection method: clinical testing. Allele origin: germline. Affected: yes.

GeneDx
Classification: Pathogenic. Last evaluated: 2023-04-10. Review status: criteria provided, single submitter. Criteria: GeneDx Variant Classification Process June 2021. Collection method: clinical testing. Allele origin: germline. Affected: yes.
Comment: Not observed at significant frequency in large population cohorts (gnomAD); Missense variants in this gene are often considered pathogenic (HGMD); In silico analysis supports that this missense variant has a deleterious effect on protein structure/function; This substitution is predicted to be within the transmembrane segment S5 of the second homologous domain; This variant is associated with the following publications: (PMID: 28012175, 28837158, 29655203)